The following is an entry in ClinVar:

ClinVar aggregate classification (germline): Uncertain significance. Review status: criteria provided, multiple submitters, no conflicts (2 of 4 stars). 2 submissions from 2 submitters: Uncertain significance (2). Last evaluated 2025-09-10.

Conditions:
Inborn genetic diseases. Identifiers: MedGen C0950123, MeSH D030342.

Allele frequency attached by ClinVar (database versions not stated): gnomAD 0.00001; gnomAD exomes 0.00001; TOPMed 0.00002.
gnomAD v4.1: 6 of 1,609,934 alleles (0.00037%); highest among the groups gnomAD compares: Admixed American, 0.0017%; no homozygotes.

Submissions (2):

Ambry Genetics
Classification: Uncertain significance for Inborn genetic diseases. Last evaluated: 2025-09-10. Review status: criteria provided, single submitter. Criteria: Ambry Variant Classification Scheme 2023. Collection method: clinical testing. Allele origin: germline.

Labcorp Genetics (formerly Invitae), Labcorp
Classification: Uncertain significance. Last evaluated: 2022-10-05. Review status: criteria provided, single submitter. Criteria: Invitae Variant Classification Sherloc (09022015). Collection method: clinical testing. Allele origin: germline.
Comment: This sequence change replaces phenylalanine, which is neutral and non-polar, with leucine, which is neutral and non-polar, at codon 26 of the IFT81 protein (p.Phe26Leu). This variant is not present in population databases (gnomAD no frequency). This variant has not been reported in the literature in individuals affected with IFT81-related conditions. ClinVar contains an entry for this variant (Variation ID: 1474629). Advanced modeling of protein sequence and biophysical properties (such as structural, functional, and spatial information, amino acid conservation, physicochemical variation, residue mobility, and thermodynamic stability) performed at Invitae indicates that this missense variant is not expected to disrupt IFT81 protein function. In summary, the available evidence is currently insufficient to determine the role of this variant in disease. Therefore, it has been classified as a Variant of Uncertain Significance.

NM_014055.4(IFT81):c.76T>C (p.Phe26Leu)

Gene: IFT81 (intraflagellar transport 81; plus strand). Cytogenetic location: 12q24.11.
Variant type: single nucleotide variant.
Coding change: c.76T>C on transcript NM_014055.4 (MANE Select); coding-DNA position 76, T replaced by C.
Protein change: p.Phe26Leu; replaces phenylalanine 26 with leucine.
Molecular consequence: missense variant. On other transcripts: 5 prime UTR variant (2), non-coding transcript variant (4).
Genome position (GRCh38, 1-based): chr12:110,127,456, T>C. VCF-style: chr12-110127456-T-C. GRCh37 (hg19) VCF-style: chr12-110565261-T-C.
Other names: c.76T>C, p.Phe26Leu (NM_001143779.2, NM_001347946.2, NM_031473.4); c.-691T>C (NM_001347947.2, NM_001347948.2); c.76T>C (NM_014055.3); short protein forms F26L.
Identifiers: ClinVar variation 1474629 (VCV001474629.4), dbSNP rs1295050812, ClinGen allele CA386906348.